The following is an entry in ClinVar:

ClinVar aggregate classification (germline): Uncertain significance (1 of 4 stars; one submission).

Conditions:
Meckel-Gruber syndrome. Also called: DYSENCEPHALIA SPLANCHNOCYSTICA; GRUBER SYNDROME; Dysencephalia splachnocystica. Identifiers: Orphanet 564, MedGen C0265215, MONDO:0018921.
Joubert syndrome. Also called: CEREBELLOPARENCHYMAL DISORDER IV; JOUBERT-BOLTSHAUSER SYNDROME; Familial aplasia of the vermis. Identifiers: Orphanet 475, MedGen C5979921, MONDO:0018772.

Submission:

Labcorp Genetics (formerly Invitae), Labcorp
Classification: Uncertain significance for Joubert syndrome; Meckel-Gruber syndrome. Last evaluated: 2019-02-05. Review status: criteria provided, single submitter. Criteria: Invitae Variant Classification Sherloc (09022015). Collection method: clinical testing. Allele origin: germline.
Comment: In summary, the available evidence is currently insufficient to determine the role of this variant in disease. Therefore, it has been classified as a Variant of Uncertain Significance. Algorithms developed to predict the effect of missense changes on protein structure and function are either unavailable or do not agree on the potential impact of this missense change (SIFT: "Deleterious"; PolyPhen-2: "Probably Damaging"; Align-GVGD: "Class C0"). This variant has not been reported in the literature in individuals with B9D2-related conditions. This variant is not present in population databases (ExAC no frequency). This sequence change replaces valine with methionine at codon 80 of the B9D2 protein (p.Val80Met). The valine residue is highly conserved and there is a small physicochemical difference between valine and methionine.

NM_030578.4(B9D2):c.238G>A (p.Val80Met)

Gene: B9D2 (B9 domain containing 2; minus strand). Cytogenetic location: 19q13.2.
Variant type: single nucleotide variant.
Coding change: c.238G>A on transcript NM_030578.4 (MANE Select); coding-DNA position 238, G replaced by A.
Protein change: p.Val80Met; replaces valine 80 with methionine.
Molecular consequence: missense variant.
Genome position (GRCh38, 1-based): chr19:41,354,990, C>T on the plus strand (G>A on the coding strand, the complement: B9D2 is on the minus strand). VCF-style: chr19-41354990-C-T. GRCh37 (hg19) VCF-style: chr19-41860895-C-T.
Other names: short protein forms V80M.
Identifiers: ClinVar variation 850512 (VCV000850512.10), dbSNP rs760432560, ClinGen allele CA406009335.
Genomic context (GRCh38, chr19:41,354,990, plus strand): 5'-GCACATGGCAAAATCCATAGCCTGCAAGCTGGCAGCGGCCAAAGCTGTCCTGGGACCACA[C>T]CTGGAAATGGAGCCGGGGCCAGCCTGCAGGAAAGGAGAGAGAGGGGAAAGGAGGGATGGG-3'
Protein context (NP_085055.2, residues 70-90): LQGWPRLHFQ[Val80Met]WSQDSFGRCQ